The following is an entry in ClinVar:

NM_000836.4(GRIN2D):c.3694C>T (p.His1232Tyr)

Gene: GRIN2D (glutamate ionotropic receptor NMDA type subunit 2D; plus strand). Cytogenetic location: 19q13.33.
Variant type: single nucleotide variant.
Coding change: c.3694C>T on transcript NM_000836.4 (MANE Select); coding-DNA position 3694, C replaced by T.
Protein change: p.His1232Tyr; replaces histidine 1232 with tyrosine.
Molecular consequence: missense variant.
Genome position (GRCh38, 1-based): chr19:48,443,620, C>T. VCF-style: chr19-48443620-C-T. GRCh37 (hg19) VCF-style: chr19-48946877-C-T.
Other names: short protein forms H1232Y.
Identifiers: ClinVar variation 2760223 (VCV002760223.3), dbSNP rs2513693882, ClinGen allele CA406677587.

ClinVar aggregate classification (germline): Uncertain significance (1 of 4 stars; one submission).

Submission:

Labcorp Genetics (formerly Invitae), Labcorp
Classification: Uncertain significance. Last evaluated: 2023-11-11. Review status: criteria provided, single submitter. Criteria: Invitae Variant Classification Sherloc (09022015). Collection method: clinical testing. Allele origin: germline.
Comment: This sequence change replaces histidine, which is basic and polar, with tyrosine, which is neutral and polar, at codon 1232 of the GRIN2D protein (p.His1232Tyr). The frequency data for this variant in the population databases is considered unreliable, as metrics indicate insufficient coverage at this position in the gnomAD database. This variant has not been reported in the literature in individuals affected with GRIN2D-related conditions. Advanced modeling of protein sequence and biophysical properties (such as structural, functional, and spatial information, amino acid conservation, physicochemical variation, residue mobility, and thermodynamic stability) performed at Invitae indicates that this missense variant is not expected to disrupt GRIN2D protein function with a negative predictive value of 95%. In summary, the available evidence is currently insufficient to determine the role of this variant in disease. Therefore, it has been classified as a Variant of Uncertain Significance.